The following is an entry in ClinVar:

ClinVar aggregate classification (germline): Uncertain significance (1 of 4 stars; one submission).

Conditions:
Cardiovascular phenotype. Identifiers: MedGen CN230736.

gnomAD v4.1: 2 of 1,604,694 alleles (0.00012%); highest among the groups gnomAD compares: Non-Finnish European, 0.00017%; no homozygotes.

Submission:

Ambry Genetics
Classification: Uncertain significance for Cardiovascular phenotype. Last evaluated: 2025-08-28. Review status: criteria provided, single submitter. Criteria: Ambry Variant Classification Scheme 2023. Collection method: clinical testing. Allele origin: germline.
Comment: The p.N287I variant (also known as c.860A>T), located in coding exon 10 of the TECRL gene, results from an A to T substitution at nucleotide position 860. The asparagine at codon 287 is replaced by isoleucine, an amino acid with dissimilar properties. This amino acid position is conserved. In addition, this alteration is predicted to be tolerated by in silico analysis. Based on the available evidence, the clinical significance of this variant remains unclear.

NM_001010874.5(TECRL):c.860A>T (p.Asn287Ile)

Gene: TECRL (trans-2,3-enoyl-CoA reductase like; minus strand). Cytogenetic location: 4q13.1.
Variant type: single nucleotide variant.
Coding change: c.860A>T on transcript NM_001010874.5 (MANE Select); coding-DNA position 860, A replaced by T.
Protein change: p.Asn287Ile; replaces asparagine 287 with isoleucine.
Molecular consequence: missense variant.
Genome position (GRCh38, 1-based): chr4:64,281,532, T>A on the plus strand (A>T on the coding strand, the complement: TECRL is on the minus strand). VCF-style: chr4-64281532-T-A. GRCh37 (hg19) VCF-style: chr4-65147250-T-A.
Other names: c.860A>T, p.Asn287Ile (NM_001363796.1); short protein forms N287I.
Identifiers: ClinVar variation 4182158 (VCV004182158.1).